The following is an entry in ClinVar:

NM_007129.5(ZIC2):c.137A>G (p.Gln46Arg)

Gene: ZIC2 (Zic family member 2; plus strand). Cytogenetic location: 13q32.3.
Variant type: single nucleotide variant.
Coding change: c.137A>G on transcript NM_007129.5 (MANE Select); coding-DNA position 137, A replaced by G.
Protein change: p.Gln46Arg; replaces glutamine 46 with arginine.
Molecular consequence: missense variant.
Genome position (GRCh38, 1-based): chr13:99,982,201, A>G. VCF-style: chr13-99982201-A-G. GRCh37 (hg19) VCF-style: chr13-100634455-A-G.
Other names: short protein forms Q46R.
Identifiers: ClinVar variation 1306668 (VCV001306668.2), dbSNP rs2152162244, ClinGen allele CA388636633.

ClinVar aggregate classification (germline): Uncertain significance (1 of 4 stars; one submission).

Submission:

GeneDx
Classification: Uncertain significance. Last evaluated: 2019-07-03. Review status: criteria provided, single submitter. Criteria: GeneDx Variant Classification Process June 2021. Collection method: clinical testing. Allele origin: germline. Affected: yes.
Comment: Not observed in large population cohorts (Lek et al., 2016); In silico analysis, which includes protein predictors and evolutionary conservation, supports that this variant does not alter protein structure/function; Has not been previously published as pathogenic or benign to our knowledge